The following is an entry in ClinVar:

ClinVar aggregate classification (germline): Uncertain significance (1 of 4 stars; one submission).

Submission:

Labcorp Genetics (formerly Invitae), Labcorp
Classification: Uncertain significance. Last evaluated: 2020-10-12. Review status: criteria provided, single submitter. Criteria: Invitae Variant Classification Sherloc (09022015). Collection method: clinical testing. Allele origin: germline.
Comment: This sequence change replaces aspartic acid with asparagine at codon 352 of the RTN4IP1 protein (p.Asp352Asn). The aspartic acid residue is weakly conserved and there is a small physicochemical difference between aspartic acid and asparagine. This variant is not present in population databases (ExAC no frequency). This variant has not been reported in the literature in individuals with RTN4IP1-related conditions. Algorithms developed to predict the effect of missense changes on protein structure and function (SIFT, PolyPhen-2, Align-GVGD) all suggest that this variant is likely to be tolerated, but these predictions have not been confirmed by published functional studies and their clinical significance is uncertain. In summary, the available evidence is currently insufficient to determine the role of this variant in disease. Therefore, it has been classified as a Variant of Uncertain Significance.

NM_032730.5(RTN4IP1):c.1054G>A (p.Asp352Asn)

Gene: RTN4IP1 (reticulon 4 interacting protein 1; minus strand). Cytogenetic location: 6q21.
Variant type: single nucleotide variant.
Coding change: c.1054G>A on transcript NM_032730.5 (MANE Select); coding-DNA position 1054, G replaced by A.
Protein change: p.Asp352Asn; replaces aspartic acid 352 with asparagine.
Molecular consequence: missense variant.
Genome position (GRCh38, 1-based): chr6:106,583,357, C>T on the plus strand (G>A on the coding strand, the complement: RTN4IP1 is on the minus strand). VCF-style: chr6-106583357-C-T. GRCh37 (hg19) VCF-style: chr6-107031232-C-T.
Other names: c.754G>A, p.Asp252Asn (NM_001318746.1); short protein forms D252N, D352N.
Identifiers: ClinVar variation 1017622 (VCV001017622.8), dbSNP rs1775413175, ClinGen allele CA365150279.